The following is an entry in ClinVar:

NM_018238.4(AGK):c.1047-235A>G

Gene: AGK (acylglycerol kinase; plus strand). Cytogenetic location: 7q34.
Variant type: single nucleotide variant.
Coding change: c.1047-235A>G on transcript NM_018238.4 (MANE Select); 235 bases into the intron before coding-DNA position 1047, A replaced by G.
Molecular consequence: intron variant.
Genome position (GRCh38, 1-based): chr7:141,651,290, A>G. VCF-style: chr7-141651290-A-G. GRCh37 (hg19) VCF-style: chr7-141351090-A-G.
Identifiers: ClinVar variation 669761 (VCV000669761.1), dbSNP rs17162375, ClinGen allele CA168065409.

ClinVar aggregate classification (germline): Benign (1 of 4 stars; one submission).

Allele frequency attached by ClinVar (database versions not stated): gnomAD 0.03230 and 0.03572; TOPMed 0.03516; 1000 Genomes Project 0.05811; 1000 Genomes Project 30x 0.05824.
gnomAD v4.1: 5,397 of 152,302 alleles (3.5%); highest among the groups gnomAD compares: South Asian, 14%; 152 homozygotes.

Submission:

GeneDx
Classification: Benign. Last evaluated: 2018-06-14. Review status: criteria provided, single submitter. Criteria: GeneDx Variant Classification (06012015). Collection method: clinical testing. Allele origin: germline. Affected: yes.
Comment: This variant is considered likely benign or benign based on one or more of the following criteria: it is a conservative change, it occurs at a poorly conserved position in the protein, it is predicted to be benign by multiple in silico algorithms, and/or has population frequency not consistent with disease.